The following is an entry in ClinVar:

NM_005188.4(CBL):c.951A>T (p.Thr317=)

Gene: CBL (Cbl proto-oncogene; plus strand). Cytogenetic location: 11q23.3.
Variant type: single nucleotide variant.
Coding change: c.951A>T on transcript NM_005188.4 (MANE Select); coding-DNA position 951, A replaced by T.
Protein change: p.Thr317=; no amino-acid change (threonine 317 retained).
Molecular consequence: synonymous variant.
Genome position (GRCh38, 1-based): chr11:119,276,078, A>T. VCF-style: chr11-119276078-A-T. GRCh37 (hg19) VCF-style: chr11-119146788-A-T.
Identifiers: ClinVar variation 3029505 (VCV003029505.2), dbSNP rs34851541, ClinGen allele CA477132889.

ClinVar aggregate classification (germline): Likely benign (0 of 4 stars; one submission).

Conditions:
CBL-related disorder. Also called: NOONAN SYNDROME-LIKE DISORDER WITHOUT JUVENILE MYELOMONOCYTIC LEUKEMIA; CBL MUTATION-ASSOCIATED SYNDROME; CBL SYNDROME. Identifiers: Orphanet 363972, MedGen C3150803, MONDO:0013308, OMIM 613563.

Submission:

PreventionGenetics, part of Exact Sciences
Classification: Likely benign for CBL-related condition. Last evaluated: 2021-07-12. Review status: no assertion criteria provided. Collection method: clinical testing. Allele origin: germline.
Comment: This variant is classified as likely benign based on ACMG/AMP sequence variant interpretation guidelines (Richards et al. 2015 PMID: 25741868, with internal and published modifications).